The following is an entry in ClinVar:

NM_001267550.2(TTN):c.98242C>T (p.Arg32748Cys)

Genes: TTN-AS1 (TTN antisense RNA 1; plus strand), TTN (titin; minus strand). Cytogenetic location: 2q31.2.
Variant type: single nucleotide variant.
Coding change: c.98242C>T on transcript NM_001267550.2 (MANE Select); coding-DNA position 98242, C replaced by T.
Protein change: p.Arg32748Cys; replaces arginine 32748 with cysteine.
Molecular consequence: missense variant. On other transcripts: non-coding transcript variant (1).
Genome position (GRCh38, 1-based): chr2:178,539,823, G>A on the plus strand (C>T on the coding strand, the complement: TTN is on the minus strand). VCF-style: chr2-178539823-G-A. GRCh37 (hg19) VCF-style: chr2-179404550-G-A.
Other names: p.R30180C:CGT>TGT; c.93319C>T, p.Arg31107Cys (NM_001256850.1); c.71047C>T, p.Arg23683Cys (NM_003319.4); c.90538C>T, p.Arg30180Cys (NM_133378.4); c.71422C>T, p.Arg23808Cys (NM_133432.3); c.71623C>T, p.Arg23875Cys (NM_133437.4); short protein forms R32748C, R30180C, R31107C, R23683C, R23808C, R23875C.
Identifiers: ClinVar variation 47596 (VCV000047596.127), dbSNP rs72648272, ClinGen allele CA141465.
Genomic context (GRCh38, chr2:178,539,823, plus strand): 5'-CCCTGTCTGCTTCTTTGATCACAAGCTCAGTGTGTGTTTCAGATGTTGCAATCATGGCAC[G>A]CTTACTAATATCCTGGCCTTCCTTGGTCCATTTACATATTGGGAATGGTTTTCCTTTGAT-3'
Protein context (NP_001254479.2, residues 32738-32758): WTKEGQDISK[Arg32748Cys]AMIATSETHT

ClinVar aggregate classification (germline): Conflicting classifications of pathogenicity. Review status: criteria provided, conflicting classifications (1 of 4 stars). 27 submissions from 23 submitters: Uncertain significance (4); Benign (10); Likely benign (6). 7 of the submissions do not count toward it. Last evaluated 2026-09-01.

Conditions:
TTN-related disorder. Also called: TTN-related disorders; TTN-related condition; TTN-related disease.
Cardiovascular phenotype. Identifiers: MedGen CN230736.
Autosomal recessive limb-girdle muscular dystrophy type 2J (LGMDR10). Also called: MUSCULAR DYSTROPHY, LIMB-GIRDLE, AUTOSOMAL RECESSIVE 10; Limb-girdle muscular dystrophy, type 2J. Identifiers: Orphanet 140922, MedGen C1837342, MONDO:0012127, OMIM 608807.
Dilated cardiomyopathy 1G (CMD1G). Identifiers: Orphanet 154, MedGen C1858763, MONDO:0011400, OMIM 604145.
Cardiomyopathy (CMYO). Also called: Cardiomyopathies. Identifiers: Orphanet 167848, MedGen C0878544, MONDO:0004994, HP:0001638. Inheritance: Various modes of inheritance.
Early-onset myopathy with fatal cardiomyopathy (CMYO5). Also called: CONGENITAL MYOPATHY 5 WITH CARDIOMYOPATHY; Salih Myopathy. Identifiers: Orphanet 289377, MedGen C2673677, MONDO:0012714, OMIM 611705. Disease mechanism: loss of function.
Myopathy, myofibrillar, 9, with early respiratory failure (MFM9). Also called: Myopathy, distal, with early respiratory failure, autosomal dominant; Hereditary myopathy with early respiratory failure; EDSTROM MYOPATHY; MYOPATHY, PROXIMAL, WITH EARLY RESPIRATORY MUSCLE INVOLVEMENT. Identifiers: Orphanet 178464, Orphanet 34521, MedGen C1863599, MONDO:0011362, OMIM 603689.
Tibial muscular dystrophy (TMD). Also called: Tibial muscular dystrophy, tardive; Udd Distal Myopathy – Tibial Muscular Dystrophy; UDD MYOPATHY. Identifiers: Orphanet 609, MedGen C1838244, MONDO:0010870, OMIM 600334.

Allele frequency attached by ClinVar (database versions not stated): ESP Exome Variant Server 0.00290; gnomAD 0.00366 and 0.00377; 1000 Genomes Project 30x 0.00172; TOPMed 0.00223; gnomAD exomes 0.00346 and 0.00374; 1000 Genomes Project 0.00140; ExAC 0.00404.
gnomAD v4.1: 5,583 of 1,613,820 alleles (0.35%); highest among the groups gnomAD compares: Non-Finnish European, 0.38%; 17 homozygotes.

Submissions (28):

CeGaT Center for Human Genetics Tuebingen
Classification: Likely benign. Last evaluated: 2026-09-01. Review status: criteria provided, single submitter. Criteria: CeGaT Center For Human Genetics Tuebingen Variant Classification Criteria Version 2. Collection method: clinical testing. Allele origin: germline. Affected: yes. Observed: 63 variant alleles.
Comment: TTN: BS2

Labcorp Genetics (formerly Invitae), Labcorp
Classification: Benign for Dilated cardiomyopathy 1G; Autosomal recessive limb-girdle muscular dystrophy type 2J. Last evaluated: 2026-02-03. Review status: criteria provided, single submitter. Criteria: Invitae Variant Classification Sherloc (09022015). Collection method: clinical testing. Allele origin: germline.

Mayo Clinic Laboratories, Mayo Clinic
Classification: Benign. Last evaluated: 2025-10-06. Review status: criteria provided, single submitter. Criteria: ACMG Guidelines, 2015. Collection method: clinical testing. Allele origin: germline. Observed: 19 variant alleles.

ARUP Laboratories, Molecular Genetics and Genomics, ARUP Laboratories
Classification: Benign. Last evaluated: 2025-06-05. Review status: criteria provided, single submitter. Criteria: ARUP Molecular Germline Variant Investigation Process 2024. Collection method: clinical testing. Allele origin: germline.

Molecular Diagnostic Laboratory for Inherited Cardiovascular Disease, Montreal Heart Institute
Classification: Likely benign. Last evaluated: 2025-04-09. Review status: criteria provided, single submitter. Criteria: ACMG Guidelines, 2015. Collection method: clinical testing. Allele origin: germline. Affected: no.

Blueprint Genetics
Classification: Likely benign. Last evaluated: 2024-11-22. Review status: criteria provided, single submitter. Criteria: ACMG Guidelines, 2015. Collection method: clinical testing. Allele origin: germline.

Athena Diagnostics
Classification: Benign. Last evaluated: 2024-09-23. Review status: criteria provided, single submitter. Criteria: Athena Diagnostics Criteria. Collection method: clinical testing. Allele origin: unknown.

Women's Health and Genetics/Laboratory Corporation of America, LabCorp
Classification: Likely benign. Last evaluated: 2022-07-30. Review status: criteria provided, single submitter. Criteria: LabCorp Variant Classification Summary - May 2015. Collection method: clinical testing. Allele origin: germline.

CHEO Genetics Diagnostic Laboratory, Children's Hospital of Eastern Ontario
Classification: Benign for Cardiomyopathy. Last evaluated: 2019-10-29. Review status: criteria provided, single submitter. Criteria: ACMG Guidelines, 2015. Collection method: clinical testing. Allele origin: germline. Study: Canadian Open Genetics Repository.

Illumina Laboratory Services, Illumina
Classification: Benign for Myopathy, myofibrillar, 9, with early respiratory failure. Last evaluated: 2018-01-13. Review status: criteria provided, single submitter. Criteria: ICSL Variant Classification Criteria 13 December 2019. Collection method: clinical testing. Allele origin: germline.
Comment: This variant was observed in the ICSL laboratory as part of a predisposition screen in an ostensibly healthy population. It had not been previously curated by ICSL or reported in the Human Gene Mutation Database (HGMD: prior to June 1st, 2018), and was therefore a candidate for classification through an automated scoring system. Utilizing variant allele frequency, disease prevalence and penetrance estimates, and inheritance mode, an automated score was calculated to assess if this variant is too frequent to cause the disease. Based on the score and internal cut-off values, a variant classified as benign is not then subjected to further curation. The score for this variant resulted in a classification of benign for this disease.

Illumina Laboratory Services, Illumina
Classification: Benign for Tibial muscular dystrophy. Last evaluated: 2018-01-13. Review status: criteria provided, single submitter. Criteria: ICSL Variant Classification Criteria 13 December 2019. Collection method: clinical testing. Allele origin: germline.
Comment: the same text as in the submission from Illumina Laboratory Services, Illumina above.

Illumina Laboratory Services, Illumina
Classification: Uncertain significance for Autosomal recessive limb-girdle muscular dystrophy type 2J. Last evaluated: 2018-01-13. Review status: criteria provided, single submitter. Criteria: ICSL Variant Classification Criteria 13 December 2019. Collection method: clinical testing. Allele origin: germline.

Illumina Laboratory Services, Illumina
Classification: Uncertain significance for Dilated cardiomyopathy 1G. Last evaluated: 2018-01-13. Review status: criteria provided, single submitter. Criteria: ICSL Variant Classification Criteria 13 December 2019. Collection method: clinical testing. Allele origin: germline.

Illumina Laboratory Services, Illumina
Classification: Uncertain significance for Early-onset myopathy with fatal cardiomyopathy. Last evaluated: 2018-01-13. Review status: criteria provided, single submitter. Criteria: ICSL Variant Classification Criteria 13 December 2019. Collection method: clinical testing. Allele origin: germline.

GeneDx
Classification: Benign. Last evaluated: 2016-08-23. Review status: criteria provided, single submitter. Criteria: GeneDx Variant Classification (06012015). Collection method: clinical testing. Allele origin: germline. Affected: yes.
Comment: This variant is considered likely benign or benign based on one or more of the following criteria: it is a conservative change, it occurs at a poorly conserved position in the protein, it is predicted to be benign by multiple in silico algorithms, and/or has population frequency not consistent with disease.

Ambry Genetics
Classification: Benign for Cardiovascular phenotype. Last evaluated: 2016-02-15. Review status: criteria provided, single submitter. Criteria: Ambry Variant Classification Scheme 2023. Collection method: clinical testing. Allele origin: germline.

Eurofins Ntd Llc (ga)
Classification: Likely benign. Last evaluated: 2015-07-02. Review status: criteria provided, single submitter. Criteria: EGL Classification Definitions 2015. Collection method: clinical testing. Allele origin: germline. Observed: 1 variant allele, 1 heterozygote.

Laboratory for Molecular Medicine, Mass General Brigham Personalized Medicine
Classification: Benign. Last evaluated: 2015-02-10. Review status: criteria provided, single submitter. Criteria: LMM Criteria. Collection method: clinical testing. Allele origin: germline. Observed: 9 variant alleles.
Comment: p.Arg30180Cys in exon 301 of TTN: This variant is not expected to have clinical significance because it has been identified in 1.2% (76/6606) of Finnish chromos omes by the Exome Aggregation Consortium (ExAC; dbSNP rs72648272).

Genetic Services Laboratory, University of Chicago
Classification: Uncertain significance. Last evaluated: 2014-06-03. Review status: criteria provided, single submitter. Criteria: ACMG Guidelines, 2015. Collection method: clinical testing. Allele origin: germline.

Biesecker Lab/Clinical Genomics Section, National Institutes of Health
Classification: Likely benign. Last evaluated: 2013-06-24. Review status: criteria provided, single submitter. Criteria: Ng et al. (Circ Cardiovasc Genet. 2013). Collection method: research. Allele origin: unknown. Observed: 6 variant alleles. Study: ClinSeq.
Comment: The study set was not selected for affection status in relation to any cancer. Pathogenicity categories were based on literature curation. See Pubmed ID:23861362 for details.

Medical sequencing

PreventionGenetics, part of Exact Sciences
Classification: Likely benign for TTN-related condition. Last evaluated: 2020-03-13. Review status: no assertion criteria provided. Collection method: clinical testing. Allele origin: germline. Not counted in ClinVar's aggregate classification.
Comment: This variant is classified as likely benign based on ACMG/AMP sequence variant interpretation guidelines (Richards et al. 2015 PMID: 25741868, with internal and published modifications).

Clinical Genetics DNA and cytogenetics Diagnostics Lab, Erasmus MC, Erasmus Medical Center
Classification: Benign. Review status: no assertion criteria provided. Collection method: clinical testing. Allele origin: germline. Affected: yes. Study: VKGL Data-share Consensus. Not counted in ClinVar's aggregate classification.

Clinical Genetics, Academic Medical Center
Classification: Benign. Review status: no assertion criteria provided. Collection method: clinical testing. Allele origin: germline. Affected: yes. Study: VKGL Data-share Consensus. Not counted in ClinVar's aggregate classification.

Diagnostic Laboratory, Department of Genetics, University Medical Center Groningen
Classification: Likely benign. Review status: no assertion criteria provided. Collection method: clinical testing. Allele origin: germline. Affected: yes. Study: VKGL Data-share Consensus. Not counted in ClinVar's aggregate classification.

Dr. Peter K. Rogan Lab, Western University
No classification provided (evidence only). Condition: Malignant tumor of urinary bladder. Review status: no classification provided. Collection method: in vitro. Allele origin: not applicable. Functional consequence: retained intron. Not counted in ClinVar's aggregate classification.

Genome Diagnostics Laboratory, University Medical Center Utrecht
Classification: Likely benign. Review status: no assertion criteria provided. Collection method: clinical testing. Allele origin: germline. Affected: yes. Study: VKGL Data-share Consensus. Not counted in ClinVar's aggregate classification.

Joint Genome Diagnostic Labs from Nijmegen and Maastricht, Radboudumc and MUMC+
Classification: Benign. Review status: no assertion criteria provided. Collection method: clinical testing. Allele origin: germline. Affected: yes. Study: VKGL Data-share Consensus. Not counted in ClinVar's aggregate classification.

Laboratory of Diagnostic Genome Analysis, Leiden University Medical Center (LUMC)
Classification: Likely benign. Review status: no assertion criteria provided. Collection method: clinical testing. Allele origin: germline. Affected: yes. Study: VKGL Data-share Consensus. Not counted in ClinVar's aggregate classification.

Literature cited by the submitters: PubMed 28831623 (cited by Athena Diagnostics); PubMed 31539150 (cited by Athena Diagnostics); PubMed 24459294 (cited by Athena Diagnostics); PubMed 25979592 (cited by Athena Diagnostics); PubMed 25626705 (cited by Athena Diagnostics); PubMed 17344846 (cited by Athena Diagnostics).